The following is an entry in ClinVar:

NM_000489.6(ATRX):c.1757T>G (p.Leu586Ter)

Gene: ATRX (ATRX chromatin remodeler; minus strand). Cytogenetic location: Xq21.1.
Variant type: single nucleotide variant.
Coding change: c.1757T>G on transcript NM_000489.6 (MANE Select); coding-DNA position 1757, T replaced by G.
Protein change: p.Leu586Ter; replaces leucine 586 with a stop codon.
Molecular consequence: nonsense.
Genome position (GRCh38, 1-based): chrX:77,683,499, A>C on the plus strand (T>G on the coding strand, the complement: ATRX is on the minus strand). VCF-style: chrX-77683499-A-C. GRCh37 (hg19) VCF-style: chrX-76938991-A-C.
Other names: c.1643T>G, p.Leu548Ter (NM_138270.5); short protein forms L548*, L586*.
Identifiers: ClinVar variation 4882739 (VCV004882739.2).

ClinVar aggregate classification (germline): Likely pathogenic (1 of 4 stars; one submission).

Submission:

Dasa
Classification: Likely pathogenic. Last evaluated: 2024-12-20. Review status: criteria provided, single submitter. Criteria: DASA Assertion Criteria. Collection method: clinical testing. Allele origin: germline.
Comment: NM_000489.6(ATRX):c.1757T>G (p.Leu586*) is a nonsense variant in ATRX predicted to introduce a premature termination codon and is predicted to result in an absent or altered protein product. Loss of function is an established disease mechanism for ATRX (PMID: 7697714). Also, this variant is absent from population databases. Based on the currently available evidence, this variant is classified as likely pathogenic.

Literature cited by the submitters: PubMed 7697714.